The following is an entry in ClinVar:

NM_005142.3(CBLIF):c.371-19T>C

Gene: CBLIF (cobalamin binding intrinsic factor; minus strand). Cytogenetic location: 11q12.1.
Variant type: single nucleotide variant.
Coding change: c.371-19T>C on transcript NM_005142.3 (MANE Select); 19 bases into the intron before coding-DNA position 371, T replaced by C.
Molecular consequence: intron variant.
Genome position (GRCh38, 1-based): chr11:59,842,602, A>G on the plus strand (T>C on the coding strand, the complement: CBLIF is on the minus strand). VCF-style: chr11-59842602-A-G. GRCh37 (hg19) VCF-style: chr11-59610075-A-G.
Other names: p.?.
Identifiers: ClinVar variation 2040987 (VCV002040987.6), dbSNP rs139359211, ClinGen allele CA6021590.

ClinVar aggregate classification (germline): Benign/Likely benign. Review status: criteria provided, multiple submitters, no conflicts (2 of 4 stars). 3 submissions from 3 submitters: Benign (1); Likely benign (2). Last evaluated 2026-01-26.

Conditions:
Hereditary intrinsic factor deficiency (IFD). Also called: PERNICIOUS ANEMIA, CONGENITAL, DUE TO DEFECT OF INTRINSIC FACTOR; Congenital intrinsic factor deficiency. Identifiers: Orphanet 332, MedGen C2062370, MONDO:0009852, OMIM 261000.

Allele frequency attached by ClinVar (database versions not stated): 1000 Genomes Project 30x 0.00047; 1000 Genomes Project 0.00060; TOPMed 0.00149; ESP Exome Variant Server 0.00177; gnomAD 0.00179; ExAC 0.00215.
gnomAD v4.1: 4,210 of 1,612,140 alleles (0.26%); highest among the groups gnomAD compares: Non-Finnish European, 0.31%; 10 homozygotes.

Submissions (3):

Labcorp Genetics (formerly Invitae), Labcorp
Classification: Benign for Hereditary intrinsic factor deficiency. Last evaluated: 2026-01-26. Review status: criteria provided, single submitter. Criteria: Invitae Variant Classification Sherloc (09022015). Collection method: clinical testing. Allele origin: germline.

Mayo Clinic Laboratories, Mayo Clinic
Classification: Likely benign. Last evaluated: 2025-06-13. Review status: criteria provided, single submitter. Criteria: ACMG Guidelines, 2015. Collection method: clinical testing. Allele origin: germline. Observed: 3 variant alleles.
Comment: BS1, BP4, BP7

Blueprint Genetics
Classification: Likely benign. Last evaluated: 2024-11-22. Review status: criteria provided, single submitter. Criteria: ACMG Guidelines, 2015. Collection method: clinical testing. Allele origin: germline.